The following is an entry in ClinVar:

NM_138694.4(PKHD1):c.10538G>A (p.Ser3513Asn)

Gene: PKHD1 (PKHD1 ciliary IPT domain containing fibrocystin/polyductin; minus strand). Cytogenetic location: 6p12.3.
Variant type: single nucleotide variant.
Coding change: c.10538G>A on transcript NM_138694.4 (MANE Select); coding-DNA position 10538, G replaced by A.
Protein change: p.Ser3513Asn; replaces serine 3513 with asparagine.
Molecular consequence: missense variant.
Genome position (GRCh38, 1-based): chr6:51,659,588, C>T on the plus strand (G>A on the coding strand, the complement: PKHD1 is on the minus strand). VCF-style: chr6-51659588-C-T. GRCh37 (hg19) VCF-style: chr6-51524386-C-T.
Other names: short protein forms S3513N.
Identifiers: ClinVar variation 5003229 (VCV005003229.1).

ClinVar aggregate classification (germline): Uncertain significance (1 of 4 stars; one submission).

Conditions:
Polycystic kidney disease 4 (PKD4). Also called: POLYCYSTIC KIDNEY AND HEPATIC DISEASE 1; POLYCYSTIC KIDNEY DISEASE, INFANTILE, TYPE I; PKD3; Autosomal Recessive Polycystic Kidney Disease – PKHD1; POLYCYSTIC KIDNEY DISEASE 4 WITH OR WITHOUT POLYCYSTIC LIVER DISEASE. Identifiers: MedGen C4540575, MONDO:0033004, OMIM 263200.

Submission:

Myriad Genetics, Inc.
Classification: Uncertain significance for Polycystic kidney disease 4. Last evaluated: 2026-02-04. Review status: criteria provided, single submitter. Criteria: Myriad Autosomal Dominant, Autosomal Recessive and X-Linked Classification Criteria (2023). Collection method: clinical testing. Allele origin: unknown.
Comment: NM_138694.3(PKHD1):c.10538G>A(S3513N) is a missense variant classified as a variant of uncertain significance in the context of autosomal recessive polycystic kidney disease, PKHD1-related. S3513N has been observed in a case with relevant disease (PMID: 37372416). Relevant functional assessments of this variant are not available in the literature. S3513N has not been observed in referenced population frequency databases. In summary, there is insufficient evidence to classify NM_138694.3(PKHD1):c.10538G>A(S3513N) as pathogenic or benign. Please note: this variant was assessed in the context of healthy population screening.

Literature cited by the submitters: PubMed 37372416.